The following is an entry in ClinVar:

ClinVar aggregate classification (germline): Uncertain significance (1 of 4 stars; one submission).

Conditions:
Charcot-Marie-Tooth disease type 4. Also called: Charcot-Marie-Tooth, Type 4; Charcot-Marie-Tooth disease, type IV. Identifiers: Orphanet 64749, MedGen C4082197, MONDO:0018995.

Submission:

Labcorp Genetics (formerly Invitae), Labcorp
Classification: Uncertain significance for Charcot-Marie-Tooth disease type 4. Last evaluated: 2021-06-23. Review status: criteria provided, single submitter. Criteria: Invitae Variant Classification Sherloc (09022015). Collection method: clinical testing. Allele origin: germline.
Comment: This sequence change replaces arginine with serine at codon 62 of the MTMR2 protein (p.Arg62Ser). The arginine residue is moderately conserved and there is a moderate physicochemical difference between arginine and serine. This variant also falls at the last nucleotide of exon 2, which is part of the consensus splice site for this exon. This variant is not present in population databases (ExAC no frequency). This variant has not been reported in the literature in individuals with MTMR2-related conditions. Algorithms developed to predict the effect of missense changes on protein structure and function are either unavailable or do not agree on the potential impact of this missense change (SIFT: "Deleterious"; PolyPhen-2: "Benign"; Align-GVGD: "Class C0"). Nucleotide substitutions within the consensus splice site are a relatively common cause of aberrant splicing (PMID: 17576681, 9536098). Algorithms developed to predict the effect of sequence changes on RNA splicing suggest that this variant may disrupt the consensus splice site, but this prediction has not been confirmed by published transcriptional studies. In summary, the available evidence is currently insufficient to determine the role of this variant in disease. Therefore, it has been classified as a Variant of Uncertain Significance.

Literature cited by the submitters: PubMed 17576681; PubMed 9536098.

NM_016156.6(MTMR2):c.186G>T (p.Arg62Ser)

Gene: MTMR2 (myotubularin related protein 2; minus strand). Cytogenetic location: 11q21.
Variant type: single nucleotide variant.
Coding change: c.186G>T on transcript NM_016156.6 (MANE Select); coding-DNA position 186, G replaced by T.
Protein change: p.Arg62Ser; replaces arginine 62 with serine.
Molecular consequence: missense variant. On other transcripts: 5 prime UTR variant (3).
Genome position (GRCh38, 1-based): chr11:95,888,156, C>A on the plus strand (G>T on the coding strand, the complement: MTMR2 is on the minus strand). VCF-style: chr11-95888156-C-A. GRCh37 (hg19) VCF-style: chr11-95621320-C-A.
Other names: c.-227G>T (NM_001243571.2); c.-154G>T (NM_201278.3); c.-31G>T (NM_201281.3); short protein forms R62S.
Identifiers: ClinVar variation 1483559 (VCV001483559.8), dbSNP rs2135548808, ClinGen allele CA382406037.